The following is an entry in ClinVar:

NM_000059.4(BRCA2):c.9431C>T (p.Ser3144Phe)

Gene: BRCA2 (BRCA2 DNA repair associated; plus strand). Cytogenetic location: 13q13.1.
Variant type: single nucleotide variant.
Coding change: c.9431C>T on transcript NM_000059.4 (MANE Select); coding-DNA position 9431, C replaced by T.
Protein change: p.Ser3144Phe; replaces serine 3144 with phenylalanine.
Molecular consequence: missense variant.
Genome position (GRCh38, 1-based): chr13:32,394,863, C>T. VCF-style: chr13-32394863-C-T. GRCh37 (hg19) VCF-style: chr13-32969000-C-T.
Other names: short protein forms S3144F.
Identifiers: ClinVar variation 441366 (VCV000441366.5), dbSNP rs1555289592, ClinGen allele CA387761532.

ClinVar aggregate classification (germline): Uncertain significance (1 of 4 stars; one submission).

Conditions:
Hereditary cancer-predisposing syndrome. Also called: Hereditary Cancer Syndrome; Hereditary neoplastic syndrome; Neoplastic Syndromes, Hereditary; Tumor predisposition. Identifiers: Orphanet 140162, MedGen C0027672, MeSH D009386, MONDO:0015356.

Submission:

Ambry Genetics
Classification: Uncertain significance for Hereditary cancer-predisposing syndrome. Last evaluated: 2016-11-11. Review status: criteria provided, single submitter. Criteria: Ambry Variant Classification Scheme 2023. Collection method: clinical testing. Allele origin: germline.
Comment: The p.S3144F variant (also known as c.9431C>T), located in coding exon 24 of the BRCA2 gene, results from a C to T substitution at nucleotide position 9431. The serine at codon 3144 is replaced by phenylalanine, an amino acid with highly dissimilar properties. This amino acid position is highly conserved in available vertebrate species. In addition, this alteration is predicted to be deleterious by in silico analysis. Since supporting evidence is limited at this time, the clinical significance of this alteration remains unclear.